The following is an entry in ClinVar:

ClinVar aggregate classification (germline): Uncertain significance. Review status: criteria provided, multiple submitters, no conflicts (2 of 4 stars). 3 submissions from 3 submitters: Uncertain significance (3). Last evaluated 2024-07-11.

Allele frequency attached by ClinVar (database versions not stated): TOPMed 0.00003; gnomAD 0.00004 and 0.00005; gnomAD exomes 0.00004 and 0.00005.
gnomAD v4.1: 76 of 1,614,046 alleles (0.0047%); highest among the groups gnomAD compares: Middle Eastern, 0.12%; no homozygotes.

Submissions (3):

Women's Health and Genetics/Laboratory Corporation of America, LabCorp
Classification: Uncertain significance. Last evaluated: 2024-07-11. Review status: criteria provided, single submitter. Criteria: LabCorp Variant Classification Summary - May 2015. Collection method: clinical testing. Allele origin: germline.
Comment: Variant summary: CCDC88A c.103A>C (p.Asn35His) results in a conservative amino acid change located in the Calponin homology domain (IPR001715) of the encoded protein sequence. Five of five in-silico tools predict a benign effect of the variant on protein function. The variant allele was found at a frequency of 4.8e-05 in 251488 control chromosomes. This frequency is not significantly higher than estimated for a pathogenic variant in CCDC88A causing PEHO-Like Syndrome, allowing no conclusion about variant significance. To our knowledge, no occurrence of c.103A>C in individuals affected with PEHO-Like Syndrome and no experimental evidence demonstrating its impact on protein function have been reported. ClinVar contains an entry for this variant (Variation ID: 1414661). Based on the evidence outlined above, the variant was classified as uncertain significance.

Ambry Genetics
Classification: Uncertain significance. Last evaluated: 2023-09-25. Review status: criteria provided, single submitter. Criteria: Ambry Variant Classification Scheme 2023. Collection method: clinical testing. Allele origin: germline.

Labcorp Genetics (formerly Invitae), Labcorp
Classification: Uncertain significance. Last evaluated: 2022-08-09. Review status: criteria provided, single submitter. Criteria: Invitae Variant Classification Sherloc (09022015). Collection method: clinical testing. Allele origin: germline.
Comment: This sequence change replaces asparagine, which is neutral and polar, with histidine, which is basic and polar, at codon 35 of the CCDC88A protein (p.Asn35His). This variant is present in population databases (rs778105022, gnomAD 0.01%). This variant has not been reported in the literature in individuals affected with CCDC88A-related conditions. ClinVar contains an entry for this variant (Variation ID: 1414661). Algorithms developed to predict the effect of missense changes on protein structure and function output the following: SIFT: "Tolerated"; PolyPhen-2: "Benign"; Align-GVGD: "Class C0". The histidine amino acid residue is found in multiple mammalian species, which suggests that this missense change does not adversely affect protein function. In summary, the available evidence is currently insufficient to determine the role of this variant in disease. Therefore, it has been classified as a Variant of Uncertain Significance.

NM_001365480.1(CCDC88A):c.103A>C (p.Asn35His)

Gene: CCDC88A (coiled-coil domain containing 88A; minus strand). Cytogenetic location: 2p16.1.
Variant type: single nucleotide variant.
Coding change: c.103A>C on transcript NM_001365480.1 (MANE Select); coding-DNA position 103, A replaced by C.
Protein change: p.Asn35His; replaces asparagine 35 with histidine.
Molecular consequence: missense variant.
Genome position (GRCh38, 1-based): chr2:55,418,877, T>G on the plus strand (A>C on the coding strand, the complement: CCDC88A is on the minus strand). VCF-style: chr2-55418877-T-G. GRCh37 (hg19) VCF-style: chr2-55646013-T-G.
Other names: c.103A>C, p.Asn35His (NM_001135597.2, NM_001254943.2, NM_018084.5); c.103A>C (NM_001135597.1); short protein forms N35H.
Identifiers: ClinVar variation 1414661 (VCV001414661.5), dbSNP rs778105022, ClinGen allele CA1666495.